The following is an entry in ClinVar:

NM_001044385.3(TMEM237):c.685G>C (p.Gly229Arg)

Gene: TMEM237 (transmembrane protein 237; minus strand). Cytogenetic location: 2q33.1.
Variant type: single nucleotide variant.
Coding change: c.685G>C on transcript NM_001044385.3 (MANE Select); coding-DNA position 685, G replaced by C.
Protein change: p.Gly229Arg; replaces glycine 229 with arginine.
Molecular consequence: missense variant.
Genome position (GRCh38, 1-based): chr2:201,629,414, C>G on the plus strand (G>C on the coding strand, the complement: TMEM237 is on the minus strand). VCF-style: chr2-201629414-C-G. GRCh37 (hg19) VCF-style: chr2-202494137-C-G.
Other names: c.661G>C, p.Gly221Arg (NM_152388.4); short protein forms G221R, G229R.
Identifiers: ClinVar variation 1378994 (VCV001378994.6), dbSNP rs1163877651, ClinGen allele CA350309838.

ClinVar aggregate classification (germline): Uncertain significance (1 of 4 stars; one submission).

Conditions:
Joubert syndrome 14 (JBTS14). Identifiers: MedGen C3280766, MONDO:0013745, OMIM 614424.

Submission:

Labcorp Genetics (formerly Invitae), Labcorp
Classification: Uncertain significance for Joubert syndrome 14. Last evaluated: 2022-07-05. Review status: criteria provided, single submitter. Criteria: Invitae Variant Classification Sherloc (09022015). Collection method: clinical testing. Allele origin: germline.
Comment: ClinVar contains an entry for this variant (Variation ID: 1378994). This variant has not been reported in the literature in individuals affected with TMEM237-related conditions. This variant is not present in population databases (gnomAD no frequency). This sequence change replaces glycine, which is neutral and non-polar, with arginine, which is basic and polar, at codon 229 of the TMEM237 protein (p.Gly229Arg). Algorithms developed to predict the effect of missense changes on protein structure and function (SIFT, PolyPhen-2, Align-GVGD) all suggest that this variant is likely to be disruptive. In summary, the available evidence is currently insufficient to determine the role of this variant in disease. Therefore, it has been classified as a Variant of Uncertain Significance.